The following is an entry in ClinVar:

ClinVar aggregate classification (germline): Pathogenic. Review status: practice guideline (4 of 4 stars). 50 submissions from 45 submitters: Pathogenic (1). 49 of the submissions do not count toward it. Last evaluated 2004-03-03.

Conditions:
Respiratory ciliopathies including non-CF bronchiectasis.
CFTR-related disorder (CFTR-RD). Also called: CFTR-related condition; CFTR-related disorders. Identifiers: MedGen C5924204, MONDO:7770004.
Congenital bilateral aplasia of vas deferens from CFTR mutation (CBAVD). Identifiers: Orphanet 48, MedGen C0403814, MONDO:0010178, OMIM 277180. Disease mechanism: loss of function.
Cystic fibrosis (CF). Also called: MUCOVISCIDOSIS. Identifiers: Orphanet 586, MedGen C0010674, MONDO:0009061, OMIM 219700. Disease mechanism: loss of function.
Hereditary pancreatitis (PCTT). Also called: Hereditary chronic pancreatitis; PRSS1-Related Hereditary Pancreatitis. Identifiers: Orphanet 676, MedGen C0238339, MONDO:0008185, OMIM 167800.
Bronchiectasis with or without elevated sweat chloride 1 (BESC1). Also called: Cystic Fibrosis-Like Syndrome. Identifiers: Orphanet 60033, MedGen C2749757, MONDO:0008887, OMIM 211400.
Pseudomonas aeruginosa, susceptibility to chronic infection by, in cystic fibrosis.
ivacaftor response - Efficacy. Identifiers: MedGen CN322735.
Obstructive azoospermia. Identifiers: MedGen C4023106, HP:0011962.

Allele frequency attached by ClinVar (database versions not stated): TOPMed 0.00163.
gnomAD v4.1: 3,445 of 1,613,574 alleles (0.21%); highest among the groups gnomAD compares: Non-Finnish European, 0.27%; 6 homozygotes.

Submissions 1 to 9 of 50:

American College of Medical Genetics and Genomics  (ACMG)
Classification: Pathogenic for Cystic fibrosis. Last evaluated: 2004-03-03. Review status: practice guideline. Criteria: Guideline for cystic fibrosis carrier screening. Collection method: curation. Allele origin: germline. Inheritance: Autosomal recessive inheritance. Study: The ACMG recommended carrier screening panel.
ClinVar note: Converted during submission from pathogenic to Pathogenic.

ClinPGx
Classification: drug response for ivacaftor response - Efficacy. Last evaluated: 2021-03-24. Review status: reviewed by expert panel. Criteria: Pharmacogenomics knowledge for personalized medicine. Collection method: curation. Allele origin: germline. Affected: yes. Not counted in ClinVar's aggregate classification.
Comment: PharmGKB Level of Evidence 1A: Level 1A clinical annotations describe variant-drug combinations that have variant-specific prescribing guidance available in a current clinical guideline annotation or an FDA-approved drug label annotation. Annotations of drug labels or clinical guidelines must give prescribing guidance for specific variants (e.g. CYP2C9*3, HLA-B*57:01) or provide mapping from defined allele functions to diplotypes and phenotypes to be used as supporting evidence for a level 1A clinical annotation. Level 1A clinical annotations must also be supported by at least one publication in addition to a clinical guideline or drug label with variant-specific prescribing guidance.

Drug is not necessarily used to treat response condition

Institute of Human Genetics, University of Leipzig Medical Center
Classification: Pathogenic for Cystic fibrosis. Last evaluated: 2026-08-19. Review status: criteria provided, single submitter. Criteria: ACMG Guidelines, 2015. Collection method: clinical testing. Allele origin: unknown. Inheritance: Autosomal recessive inheritance. Affected: yes. Not counted in ClinVar's aggregate classification.
Comment: Criteria applied: PM3_STR,PS3,PM5_STR,PP3; Identified as compund heterozygous with NM_000492.4:c.1521_1523del

CeGaT Center for Human Genetics Tuebingen
Classification: Pathogenic. Last evaluated: 2026-03-01. Review status: criteria provided, single submitter. Criteria: CeGaT Center For Human Genetics Tuebingen Variant Classification Criteria Version 2. Collection method: clinical testing. Allele origin: germline. Affected: yes. Observed: 11 variant alleles. Not counted in ClinVar's aggregate classification.
Comment: CFTR: PM3:Very Strong, PM1, PM5, PS3:Moderate, PM2:Supporting

OLLIN Analises Genomicas, OLLIN
Classification: Pathogenic for Cystic fibrosis. Last evaluated: 2026-02-13. Review status: criteria provided, single submitter. Criteria: ACMG Guidelines 2015 PMID 25741868. Collection method: clinical testing. Allele origin: germline. Observed: 1 variant allele. Not counted in ClinVar's aggregate classification.
Comment: PS3, PM3_VS, PM5, PP3_M

Labcorp Genetics (formerly Invitae), Labcorp
Classification: Pathogenic, low penetrance for Cystic fibrosis. Last evaluated: 2026-01-31. Review status: criteria provided, single submitter. Criteria: Invitae Variant Classification Sherloc (09022015). Collection method: clinical testing. Allele origin: germline. Not counted in ClinVar's aggregate classification.
Comment: This sequence change replaces arginine, which is basic and polar, with histidine, which is basic and polar, at codon 117 of the CFTR protein (p.Arg117His). This variant is present in population databases (rs78655421, gnomAD 0.2%), including at least one homozygous and/or hemizygous individual. This missense variant (also known as R117H) most often occurs on the same chromosome as either a pathogenic CFTR variant known as c.1210-34TG[12]T[5] (or 5T;TG12 or TG12-5T) or a benign variant known as c.1210-34TG[10]T[7] (or 7T;TG10 or TG10-7T) (PMID: 7506096, 11491164, 34782259). When present on the opposite chromosome (in trans) from a severe pathogenic CFTR variant, R117H with c.1210-34TG[12]T[5] has been associated with varying degrees of CFTR-related disease, congenital absence of the vas deferens (CAVD), or cystic fibrosis (PMID: 7506096, 11491164). When present on the opposite chromosome (in trans) from a severe pathogenic CFTR variant, R117H with c.1210-34TG[10]T[7] has been associated with variable presentation, even within the same family (PMID:18078365, 27364092). This combination has been reported among individuals with no symptoms of CFTR-related disease, with CAVD, or infrequently, cystic fibrosis. (PMID: 7506096, 7692051, 19880712, 21507732, 23378603). There are limited reports of individuals with homozygosity for R117H with c.1210-34TG[10]T[7] having either no symptoms, pancreatitis, or CAVD (PMID: 21507732, internal data). ClinVar contains an entry for this variant (Variation ID: 7109). Invitae Evidence Modeling of protein sequence and biophysical properties (such as structural, functional, and spatial information, amino acid conservation, physicochemical variation, residue mobility, and thermodynamic stability) indicates that this missense variant is expected to disrupt CFTR protein function with a positive predictive value of 80%. The experimental evidence for the R117H-T7 is conflicting. In a heterologous model system, this missense change decreased CFTR activity by approximately 20-30% (PMID: 11242048), while in airway epithelium cells taken from two individuals homozygous for R117H-T7, chloride conductance levels were normal (PMID: 21507732). In summary, the effect of this R117H missense variant is influenced by the length of the polythymidine (polyT) tract on the same chromosome. This variant is reported to cause disease, however, as this variant is associated with a lower penetrance than other pathogenic alleles in the CFTR gene, it has been classified as Pathogenic (low penetrance).

Natera, Inc.
Classification: Pathogenic for CFTR-related disorders. Last evaluated: 2025-12-21. Review status: criteria provided, single submitter. Criteria: Natera Variant Classification Schema (03/2026). Collection method: clinical testing. Allele origin: germline. Not counted in ClinVar's aggregate classification.
Comment: The c.350G>A variant in CFTR is a missense variant predicted to cause substitution of arginine to histidine at amino acid 117. This variant is rare in the general population with a frequency below the threshold expected for the associated phenotype(s). This variant has been observed in one or more individuals affected with the associated recessive disease, as either homozygous or compound heterozygous with a second variant (PMID: 16951024). Computational prediction algorithms indicate this variant is likely to affect gene or protein function. Given the available evidence, this variant is classified as Pathogenic.

Rare Kidney Stone Consortium and the Mayo Clinic Hyperoxaluria Center, Mayo Clinic
Classification: Pathogenic for Bronchiectasis with or without elevated sweat chloride 1; Hereditary pancreatitis; Congenital bilateral aplasia of vas deferens from CFTR mutation; Cystic fibrosis. Last evaluated: 2025-10-03. Review status: criteria provided, single submitter. Criteria: ACMG Guidelines, 2015. Collection method: research. Allele origin: germline. Observed: 1 variant allele. Not counted in ClinVar's aggregate classification.
Comment: ACMG:PS3, PM1, PM2, PM5, PP3, PP5, BP1

NHS Central & South Genomic Laboratory Hub
Classification: Pathogenic for Respiratory ciliopathies including non-CF bronchiectasis. Last evaluated: 2025-09-25. Review status: criteria provided, single submitter. Criteria: ACMG Guidelines, 2015. Collection method: clinical testing. Allele origin: germline. Affected: yes. Not counted in ClinVar's aggregate classification.

NM_000492.4(CFTR):c.350G>A (p.Arg117His)

Gene: CFTR (CF transmembrane conductance regulator; plus strand). Cytogenetic location: 7q31.2.
Variant type: single nucleotide variant.
Coding change: c.350G>A on transcript NM_000492.4 (MANE Select); coding-DNA position 350, G replaced by A.
Protein change: p.Arg117His; replaces arginine 117 with histidine.
Molecular consequence: missense variant.
Genome position (GRCh38, 1-based): chr7:117,530,975, G>A. VCF-style: chr7-117530975-G-A. GRCh37 (hg19) VCF-style: chr7-117171029-G-A.
Other names: short protein forms R117H.
Identifiers: ClinVar variation 7109 (VCV000007109.187), dbSNP rs78655421, ClinGen allele CA221026.
Genomic context (GRCh38, chr7:117,530,975, plus strand): 5'-TACAGCCTCTCTTACTGGGAAGAATCATAGCTTCCTATGACCCGGATAACAAGGAGGAAC[G>A]CTCTATCGCGATTTATCTAGGCATAGGCTTATGCCTTCTCTTTATTGTGAGGACACTGCT-3'
Protein context (NP_000483.3, residues 107-127): ASYDPDNKEE[Arg117His]SIAIYLGIGL